The following is an entry in ClinVar:

NM_005631.5(SMO):c.1772T>C (p.Met591Thr)

Gene: SMO (smoothened, frizzled class receptor; plus strand). Cytogenetic location: 7q32.1.
Variant type: single nucleotide variant.
Coding change: c.1772T>C on transcript NM_005631.5 (MANE Select); coding-DNA position 1772, T replaced by C.
Protein change: p.Met591Thr; replaces methionine 591 with threonine.
Molecular consequence: missense variant.
Genome position (GRCh38, 1-based): chr7:129,211,084, T>C. VCF-style: chr7-129211084-T-C. GRCh37 (hg19) VCF-style: chr7-128850925-T-C.
Other names: short protein forms M591T.
Identifiers: ClinVar variation 2631057 (VCV002631057.1), dbSNP rs749648986, ClinGen allele CA369248106.

ClinVar aggregate classification (germline): Uncertain significance (1 of 4 stars; one submission).

Conditions:
SMO-related disorder. Also called: SMO-related condition.

gnomAD v4.1: 3 of 1,613,038 alleles (0.00019%); highest among the groups gnomAD compares: African/African-American, 0.004%; no homozygotes.

Submission:

PreventionGenetics, part of Exact Sciences
Classification: Uncertain significance for SMO-related condition. Last evaluated: 2023-10-09. Review status: criteria provided, single submitter. Criteria: ACMG Guidelines, 2015. Collection method: clinical testing. Allele origin: germline.
Comment: The SMO c.1772T>C variant is predicted to result in the amino acid substitution p.Met591Thr. To our knowledge, this variant has not been reported in the literature or in a large population database, indicating this variant is rare. At this time, the clinical significance of this variant is uncertain due to the absence of conclusive functional and genetic evidence.